The following is an entry in ClinVar:

ClinVar aggregate classification (germline): Pathogenic/Likely pathogenic. Review status: criteria provided, multiple submitters, no conflicts (2 of 4 stars). 7 submissions from 7 submitters: Pathogenic (6); Likely pathogenic (1). Last evaluated 2025-10-19.

Conditions:
Charcot-Marie-Tooth disease, axonal, type 2EE. Also called: CHARCOT-MARIE-TOOTH NEUROPATHY, TYPE 2EE. Identifiers: MedGen C5193076, MONDO:0032728, OMIM 618400.
Mitochondrial DNA depletion syndrome 6 (hepatocerebral type). Also called: NAVAJO NEUROPATHY; Mitochondrial DNA depletion syndrome type 6; Navajo neurohepatopathy. Identifiers: Orphanet 255229, MedGen C1850406, MONDO:0009747, OMIM 256810.
MPV17-related disorder. Also called: MPV17-related condition; MPV17-related disorders. Identifiers: MedGen CN239328.

Allele frequency attached by ClinVar (database versions not stated): gnomAD exomes 0.00001 and 0.00003; ExAC 0.00005; TOPMed 0.00008; gnomAD 0.00011 and 0.00012; ESP Exome Variant Server 0.00015.
gnomAD v4.1: 29 of 1,614,056 alleles (0.0018%); highest among the groups gnomAD compares: African/African-American, 0.037%; no homozygotes.

Submissions (8):

Labcorp Genetics (formerly Invitae), Labcorp
Classification: Likely pathogenic. Last evaluated: 2025-10-19. Review status: criteria provided, single submitter. Criteria: Invitae Variant Classification Sherloc (09022015). Collection method: clinical testing. Allele origin: germline.
Comment: This sequence change affects a donor splice site in intron 3 of the MPV17 gene. It is expected to disrupt RNA splicing. Variants that disrupt the donor or acceptor splice site typically lead to a loss of protein function (PMID: 16199547), and loss-of-function variants in MPV17 are known to be pathogenic (PMID: 23714749). This variant is present in population databases (rs147952488, gnomAD 0.03%). Disruption of this splice site has been observed in individual(s) with mitochondrial DNA depletion syndrome (PMID: 20074988). ClinVar contains an entry for this variant (Variation ID: 38347). Algorithms developed to predict the effect of sequence changes on RNA splicing suggest that this variant may disrupt the consensus splice site. In summary, the currently available evidence indicates that the variant is pathogenic, but additional data are needed to prove that conclusively. Therefore, this variant has been classified as Likely Pathogenic.

PreventionGenetics, part of Exact Sciences
Classification: Pathogenic for MPV17-related condition. Last evaluated: 2025-09-03. Review status: criteria provided, single submitter. Criteria: ACMG Guidelines, 2015. Collection method: clinical testing. Allele origin: germline.
Comment: The MPV17 c.186+2T>C variant is predicted to disrupt the GT donor site and interfere with normal splicing. This variant was reported in an individual with hepatocerebral mitochondrial DNA depletion syndrome (MDS; El-Hattab et al. 2010. PubMed ID: 20074988). This variant is reported in 0.036% of alleles in individuals of African descent in gnomAD and interpreted as likely pathogenic or pathogenic in ClinVar. Other splicing and loss-of-function variants in MPV17 have been reported to be causative for hepatocerebral MDS (see for example, El-Hattab et al. 2010. PubMed ID: 20074988). Based on the collective evidence this variant is interpreted as pathogenic.

Fulgent Genetics
Classification: Pathogenic for Mitochondrial DNA depletion syndrome 6 (hepatocerebral type); Charcot-Marie-Tooth disease, axonal, type 2EE. Last evaluated: 2024-05-04. Review status: criteria provided, single submitter. Criteria: ACMG Guidelines, 2015. Collection method: clinical testing. Allele origin: germline.

Baylor Genetics
Classification: Pathogenic for Charcot-Marie-Tooth disease, axonal, type 2EE. Last evaluated: 2024-03-08. Review status: criteria provided, single submitter. Criteria: ACMG Guidelines, 2015. Collection method: clinical testing. Allele origin: unknown.

Revvity Omics, Revvity
Classification: Pathogenic. Last evaluated: 2022-06-23. Review status: criteria provided, single submitter. Criteria: ACMG Guidelines, 2015. Collection method: clinical testing. Allele origin: germline.

GeneDx
Classification: Pathogenic. Last evaluated: 2020-03-09. Review status: criteria provided, single submitter. Criteria: GeneDx Variant Classification Process June 2021. Collection method: clinical testing. Allele origin: germline. Affected: yes.
Comment: Canonical splice site variant predicted to result in a null allele in a gene for which loss-of-function is a known mechanism of disease; Not observed at a significant frequency in large population cohorts (Lek et al., 2016); This variant is associated with the following publications: (PMID: 29318572, 23137571, 29282788, 22593919, 20074988)

Rady Children's Institute for Genomic Medicine, Rady Children's Hospital San Diego
Classification: Pathogenic for Mitochondrial DNA depletion syndrome 6. Last evaluated: 2019-05-24. Review status: criteria provided, single submitter. Criteria: ACMG Guidelines, 2015. Collection method: clinical testing. Allele origin: germline. Affected: yes.
Comment: This variant affects the canonical splice donor site of intron 3 of 7, and is therefore predicted to interfere with splicing and result in loss of normal protein function. This variant has been previously reported as a compound heterozygous change in patients with hepatocerebral mitochondrial DNA depletion syndrome (PMID: 20074988), and has been classified as Pathogenic by another clinical diagnostic laboratory in the ClinVar database (Variation ID: 38347). It is present in the heterozygous state in the gnomAD population database at a frequency of 0.003% (8/277190) and thus is presumed to be rare. Multiple splice prediction tools suggest this variant is likely to interfere with normal splicing. Based on the available evidence, the c.186+2T>C variant is classified as Pathogenic.

Dr. Peter K. Rogan Lab, Western University
No classification provided (evidence only). Condition: Uterine corpus endometrial carcinoma. Review status: no classification provided. Collection method: in vitro. Allele origin: not applicable. Functional consequence: skipped exon, retained intron. Not counted in ClinVar's aggregate classification.

Literature cited by the submitters: PubMed 16199547 (cited by Labcorp Genetics (formerly Invitae), Labcorp); PubMed 23714749 (cited by Labcorp Genetics (formerly Invitae), Labcorp); PubMed 20074988 (cited by Labcorp Genetics (formerly Invitae), Labcorp).

NM_002437.5(MPV17):c.186+2T>C

Gene: MPV17 (mitochondrial inner membrane protein MPV17; minus strand). Cytogenetic location: 2p23.3.
Variant type: single nucleotide variant.
Coding change: c.186+2T>C on transcript NM_002437.5 (MANE Select); the canonical splice donor site of the intron after coding-DNA position 186, T replaced by C.
Molecular consequence: splice donor variant.
Genome position (GRCh38, 1-based): chr2:27,312,992, A>G on the plus strand (T>C on the coding strand, the complement: MPV17 is on the minus strand). VCF-style: chr2-27312992-A-G. GRCh37 (hg19) VCF-style: chr2-27535859-A-G.
Identifiers: ClinVar variation 38347 (VCV000038347.21), dbSNP rs147952488, ClinGen allele CA319928.
Genomic context (GRCh38, chr2:27,312,992, plus strand): 5'-GGATGGCAAAGAACTAAGACCACTGTTGAGTCCACTGAAGCCCTGTTGAGGGGAGAACTT[A>G]CCACAAAGCCACAGCCCAGGGACACCATGGTCAGAGTCCGGCCTCTCTGGTGTTCCTGCA-3'